The following is an entry in ClinVar:

NM_002788.4(PSMA3):c.563G>A (p.Arg188His)

Genes: PSMA3 (proteasome 20S subunit alpha 3; plus strand), PSMA3-AS1 (PSMA3 antisense RNA 1; minus strand). Cytogenetic location: 14q23.1.
Variant type: single nucleotide variant.
Coding change: c.563G>A on transcript NM_002788.4 (MANE Select); coding-DNA position 563, G replaced by A.
Protein change: p.Arg188His; replaces arginine 188 with histidine.
Molecular consequence: missense variant. On other transcripts: non-coding transcript variant (1).
Genome position (GRCh38, 1-based): chr14:58,267,493, G>A. VCF-style: chr14-58267493-G-A. GRCh37 (hg19) VCF-style: chr14-58734211-G-A.
Other names: c.542G>A, p.Arg181His (NM_152132.3); short protein forms R181H, R188H.
Identifiers: ClinVar variation 1922802 (VCV001922802.5), dbSNP rs750651588, ClinGen allele CA7203839.
Genomic context (GRCh38, chr14:58,267,493, plus strand): 5'-AATGTTCTTCTGATGAACAGTATACATTTTATTTTCTATAGATGAAAGAAATGACCTGCC[G>A]TGATATCGTTAAAGAAGTTGCAAAAATGTAAGTTGAAATTTTTCTTACCATCCACAAAAA-3'
Protein context (NP_002779.1, residues 178-198): EKLQMKEMTC[Arg188His]DIVKEVAKII

ClinVar aggregate classification (germline): Uncertain significance (1 of 4 stars; one submission).

Allele frequency attached by ClinVar (database versions not stated): gnomAD 0.00001; gnomAD exomes 0.00001; ExAC 0.00002; TOPMed 0.00003.

Submission:

Labcorp Genetics (formerly Invitae), Labcorp
Classification: Uncertain significance. Last evaluated: 2026-01-19. Review status: criteria provided, single submitter. Criteria: Invitae Variant Classification Sherloc (09022015). Collection method: clinical testing. Allele origin: germline.
Comment: This sequence change replaces arginine, which is basic and polar, with histidine, which is basic and polar, at codon 188 of the PSMA3 protein (p.Arg188His). The frequency data for this variant in the population databases is considered unreliable, as metrics indicate poor data quality at this position in the gnomAD database. This variant has not been reported in the literature in individuals affected with PSMA3-related conditions. ClinVar contains an entry for this variant (Variation ID: 1922802). An algorithm developed to predict the effect of missense changes on protein structure and function (PolyPhen-2) suggests that this variant is likely to be tolerated. In summary, the available evidence is currently insufficient to determine the role of this variant in disease. Therefore, it has been classified as a Variant of Uncertain Significance.